The following is an entry in ClinVar:

NM_006214.4(PHYH):c.980G>A (p.Arg327Gln)

Gene: PHYH (phytanoyl-CoA 2-hydroxylase; minus strand). Cytogenetic location: 10p13.
Variant type: single nucleotide variant.
Coding change: c.980G>A on transcript NM_006214.4 (MANE Select); coding-DNA position 980, G replaced by A.
Protein change: p.Arg327Gln; replaces arginine 327 with glutamine.
Molecular consequence: missense variant.
Genome position (GRCh38, 1-based): chr10:13,278,338, C>T on the plus strand (G>A on the coding strand, the complement: PHYH is on the minus strand). VCF-style: chr10-13278338-C-T. GRCh37 (hg19) VCF-style: chr10-13320338-C-T.
Other names: c.680G>A, p.Arg227Gln (NM_001037537.2, NM_001323080.2); c.986G>A, p.Arg329Gln (NM_001323082.2); c.716G>A, p.Arg239Gln (NM_001323083.2); c.686G>A, p.Arg229Gln (NM_001323084.2); short protein forms R327Q, R229Q, R239Q, R227Q, R329Q.
Identifiers: ClinVar variation 299244 (VCV000299244.19), dbSNP rs367851769, ClinGen allele CA5412178.
Genomic context (GRCh38, chr10:13,278,338, plus strand): 5'-AAGAGTTATAGCAGATGGCTATTTCAAAGATTGGTTCTTTCTCCTTTCACAAGTCGAGCT[C>T]GAAACATCCAAATATCCTGGAAATAATATCAAACAGAGTGGGTTTATGGAACACTTCAAT-3'
Protein context (NP_006205.1, residues 317-337): SVNLKDIWMF[Arg327Gln]ARLVKGERTN

ClinVar aggregate classification (germline): Likely benign. Review status: criteria provided, multiple submitters, no conflicts (2 of 4 stars). 4 submissions from 4 submitters: Likely benign (3). 1 of the submissions does not count toward it. Last evaluated 2025-10-01.

Conditions:
PHYH-related disorder. Also called: PHYH-related condition.
Refsum disease, classic. Also called: HEREDOPATHIA ATACTICA POLYNEURITIFORMIS; HMSN IV; PHYTANIC ACID OXIDASE DEFICIENCY; PHYH-Related Refsum Disease. Identifiers: Orphanet 773, MedGen C5780941, MONDO:1060256, OMIM 266500. Disease mechanism: loss of function.

Allele frequency attached by ClinVar (database versions not stated): TOPMed 0.00003; ESP Exome Variant Server 0.00008; gnomAD 0.00021 and below 0.00001; 1000 Genomes Project 30x 0.00187; 1000 Genomes Project 0.00200.

Submissions (4):

Labcorp Genetics (formerly Invitae), Labcorp
Classification: Likely benign. Last evaluated: 2025-10-01. Review status: criteria provided, single submitter. Criteria: Invitae Variant Classification Sherloc (09022015). Collection method: clinical testing. Allele origin: germline.

Blueprint Genetics
Classification: Likely benign. Last evaluated: 2024-09-11. Review status: criteria provided, single submitter. Criteria: ACMG Guidelines, 2015. Collection method: clinical testing. Allele origin: germline.

Illumina Laboratory Services, Illumina
Classification: Likely benign for Refsum disease, classic. Last evaluated: 2018-01-13. Review status: criteria provided, single submitter. Criteria: ICSL Variant Classification Criteria 13 December 2019. Collection method: clinical testing. Allele origin: germline.
Comment: This variant was observed in the ICSL laboratory as part of a predisposition screen in an ostensibly healthy population. It had not been previously curated by ICSL or reported in the Human Gene Mutation Database (HGMD: prior to June 1st, 2018), and was therefore a candidate for classification through an automated scoring system. Utilizing variant allele frequency, disease prevalence and penetrance estimates, and inheritance mode, an automated score was calculated to assess if this variant is too frequent to cause the disease. Based on the score and internal cut-off values, a variant classified as likely benign is not then subjected to further curation. The score for this variant resulted in a classification of likely benign for this disease.

PreventionGenetics, part of Exact Sciences
Classification: Likely benign for PHYH-related condition. Last evaluated: 2021-03-02. Review status: no assertion criteria provided. Collection method: clinical testing. Allele origin: germline. Not counted in ClinVar's aggregate classification.
Comment: This variant is classified as likely benign based on ACMG/AMP sequence variant interpretation guidelines (Richards et al. 2015 PMID: 25741868, with internal and published modifications).